The following is an entry in ClinVar:

ClinVar aggregate classification (germline): Uncertain significance. Review status: criteria provided, multiple submitters, no conflicts (2 of 4 stars). 2 submissions from 2 submitters: Uncertain significance (2). Last evaluated 2026-06-23.

Conditions:
MC3R-related disorder. Also called: MC3R-related condition.

Allele frequency attached by ClinVar (database versions not stated): TOPMed 0.00002; gnomAD 0.00001; ExAC 0.00002.

Submissions (2):

PreventionGenetics, part of Exact Sciences
Classification: Uncertain significance for MC3R-related condition. Last evaluated: 2026-06-23. Review status: criteria provided, single submitter. Criteria: ACMG Guidelines, 2015. Collection method: clinical testing. Allele origin: germline.
Comment: The MC3R c.971A>C variant is predicted to result in extension of the open reading frame (p.*324Serext*7). This variant has been reported in individuals with obesity (Tao et al. 2007. PubMed ID: 17964765, referred to as X361S; Mencarelli et al. 2011. PubMed ID: 21047972) and normal-weight control subjects (Mencarelli et al. 2011. PubMed ID: 21047972). Functional analysis indicates that this variant retains wild-type protein function (Tao et al. 2007. PubMed ID: 17964765; Mencarelli et al. 2011. PubMed ID: 21047972). At this time, the clinical significance of this variant is uncertain due to the absence of conclusive functional and genetic evidence.

Labcorp Genetics (formerly Invitae), Labcorp
Classification: Uncertain significance. Last evaluated: 2024-12-18. Review status: criteria provided, single submitter. Criteria: Invitae Variant Classification Sherloc (09022015). Collection method: clinical testing. Allele origin: germline.
Comment: This sequence change disrupts the translational stop signal of the MC3R mRNA. It is expected to extend the length of the MC3R protein by an uncertain number of additional amino acid residues. This variant is present in population databases (rs766088288, gnomAD 0.003%). This protein extension has been observed in individual(s) with obesity (PMID: 17964765, 21047972). This variant is also known as X361S. ClinVar contains an entry for this variant (Variation ID: 3053564). Algorithms developed to predict the effect of variants on gene product structure and function are not available or were not evaluated for this variant. Experimental studies have shown that this protein extension does not substantially affect MC3R function (PMID: 17964765, 21047972). In summary, the available evidence is currently insufficient to determine the role of this variant in disease. Therefore, it has been classified as a Variant of Uncertain Significance.

Literature cited by the submitters: PubMed 17964765 (cited by Labcorp Genetics (formerly Invitae), Labcorp); PubMed 21047972 (cited by Labcorp Genetics (formerly Invitae), Labcorp).

NM_019888.3(MC3R):c.971A>C (p.Ter324Ser)

Gene: MC3R (melanocortin 3 receptor; plus strand). Cytogenetic location: 20q13.2.
Variant type: single nucleotide variant.
Coding change: c.971A>C on transcript NM_019888.3 (MANE Select); coding-DNA position 971, A replaced by C.
Protein change: p.Ter324Ser.
Molecular consequence: stop lost.
Genome position (GRCh38, 1-based): chr20:56,249,814, A>C. VCF-style: chr20-56249814-A-C. GRCh37 (hg19) VCF-style: chr20-54824870-A-C.
Identifiers: ClinVar variation 3053564 (VCV003053564.5), dbSNP rs766088288, ClinGen allele CA9917129.